The following is an entry in ClinVar:

NM_001166108.2(PALLD):c.1965-12562A>T

Gene: PALLD (palladin, cytoskeletal associated protein; plus strand). Cytogenetic location: 4q32.3.
Variant type: single nucleotide variant.
Coding change: c.1965-12562A>T on transcript NM_001166108.2 (MANE Select); 12562 bases into the intron before coding-DNA position 1965, A replaced by T.
Molecular consequence: intron variant. On other transcripts: missense variant (1).
Genome position (GRCh38, 1-based): chr4:168,878,360, A>T. VCF-style: chr4-168878360-A-T. GRCh37 (hg19) VCF-style: chr4-169799511-A-T.
Other names: c.469A>T, p.Asn157Tyr (NM_001166110.2); c.1965-12562A>T (NM_016081.4); c.819-12562A>T (NM_001166109.2); c.-157-12562A>T (NM_001367570.1, NM_001367568.1, NM_001367567.1 and 1 more transcripts); short protein forms N157Y.
Identifiers: ClinVar variation 3885366 (VCV003885366.1).
Genomic context (GRCh38, chr4:168,878,360, plus strand): 5'-CAGACGCCCGCGGCCTTCCTCAGCGCTCTGCTGCCCTCGCAGCCGCCGCCGGCGGCCGTC[A>T]ACGCCCTGGGGCTGCCCAAGGGTGTCACCCCCGCGTGAGTAACCGCCGCGGTCCTCCACT-3'

ClinVar aggregate classification (germline): Uncertain significance (1 of 4 stars; one submission).

Submission:

Ambry Genetics
Classification: Uncertain significance. Last evaluated: 2025-03-09. Review status: criteria provided, single submitter. Criteria: Ambry Variant Classification Scheme 2023. Collection method: clinical testing. Allele origin: germline.
Comment: The p.N157Y variant (also known as c.469A>T), located in coding exon 1 of the PALLD gene, results from an A to T substitution at nucleotide position 469. The asparagine at codon 157 is replaced by tyrosine, an amino acid with dissimilar properties. This amino acid position is conserved. In addition, this alteration is predicted to be tolerated by in silico analysis. Based on the available evidence, the clinical significance of this variant remains unclear.